The following is an entry in ClinVar:

NM_003119.4(SPG7):c.2050A>T (p.Met684Leu)

Gene: SPG7 (SPG7 matrix AAA peptidase subunit, paraplegin; plus strand). Cytogenetic location: 16q24.3.
Variant type: single nucleotide variant.
Coding change: c.2050A>T on transcript NM_003119.4 (MANE Select); coding-DNA position 2050, A replaced by T.
Protein change: p.Met684Leu; replaces methionine 684 with leucine.
Molecular consequence: missense variant.
Genome position (GRCh38, 1-based): chr16:89,553,907, A>T. VCF-style: chr16-89553907-A-T. GRCh37 (hg19) VCF-style: chr16-89620315-A-T.
Other names: c.2050A>T, p.Met684Leu (NM_001363850.1); short protein forms M684L.
Identifiers: ClinVar variation 2502810 (VCV002502810.1), dbSNP rs373577226, ClinGen allele CA8244513.

ClinVar aggregate classification (germline): Uncertain significance (1 of 4 stars; one submission).

gnomAD v4.1: 24 of 1,612,920 alleles (0.0015%); highest among the groups gnomAD compares: South Asian, 0.026%; 1 homozygote.

Submission:

GeneDx
Classification: Uncertain significance. Last evaluated: 2022-11-22. Review status: criteria provided, single submitter. Criteria: GeneDx Variant Classification Process June 2021. Collection method: clinical testing. Allele origin: germline. Affected: yes.
Comment: In silico analysis supports that this missense variant does not alter protein structure/function; Has not been previously published as pathogenic or benign to our knowledge